The following is an entry in ClinVar:

ClinVar aggregate classification (germline): Likely pathogenic. Review status: criteria provided, single submitter (1 of 4 stars). 3 submissions from 3 submitters: Likely pathogenic (1). 2 of the submissions do not count toward it. Last evaluated 2019-07-11.

Conditions:
Congenital dyserythropoietic anemia type type 1B (CDAN1B). Also called: C15ORF41-Related Congenital Dyserythropoietic Anemia; ANEMIA, CONGENITAL DYSERYTHROPOIETIC, TYPE Ib; CDA, TYPE Ib. Identifiers: Orphanet 98869, MedGen C3810185, MONDO:0014285, OMIM 615631.

Submissions (3):

SIB Swiss Institute of Bioinformatics
Classification: Likely pathogenic for Congenital dyserythropoietic anemia type type 1B. Last evaluated: 2019-07-11. Review status: criteria provided, single submitter. Criteria: ACMG Guidelines, 2015. Collection method: curation. Allele origin: unknown.
Comment: This variant is interpreted as a Likely pathogenic for congenital dyserythropoietic anemia type Ib, autosomal recessive. The following ACMG Tag(s) were applied: PM2; PP3; PP1-Moderate; PM3-Supporting.

OMIM
Classification: Pathogenic for ANEMIA, CONGENITAL DYSERYTHROPOIETIC, TYPE Ib. Last evaluated: 2013-09-01. Review status: no assertion criteria provided. Collection method: literature only. Allele origin: germline. Not counted in ClinVar's aggregate classification.

GeneReviews
No classification provided. Condition: Congenital dyserythropoietic anemia type type 1B. Review status: no classification provided. Collection method: literature only. Allele origin: germline. Affected: yes. Not counted in ClinVar's aggregate classification.

Literature cited by the submitters: PubMed 23716552 (cited by 3 submitters); PubMed 9220189 (cited by OMIM).

NM_001321759.2(CDIN1):c.533T>A (p.Leu178Gln)

Gene: CDIN1 (CDAN1 interacting nuclease 1; plus strand). Cytogenetic location: 15q14.
Variant type: single nucleotide variant.
Coding change: c.533T>A on transcript NM_001321759.2 (MANE Select); coding-DNA position 533, T replaced by A.
Protein change: p.Leu178Gln; replaces leucine 178 with glutamine.
Molecular consequence: missense variant.
Genome position (GRCh38, 1-based): chr15:36,697,379, T>A. VCF-style: chr15-36697379-T-A. GRCh37 (hg19) VCF-style: chr15-36989580-T-A.
Other names: C15ORF41, LEU178GLN; c.533T>A, p.Leu178Gln (NM_001130010.3, NM_001290233.2, NM_001321760.2 and 1 more transcripts); c.239T>A, p.Leu80Gln (NM_001290232.2, NM_001321756.2, NM_032499.6); c.164T>A, p.Leu55Gln (NM_001321757.2); c.422T>A, p.Leu141Gln (NM_001321758.2); short protein forms L178Q, L80Q, L141Q, L55Q.
Identifiers: ClinVar variation 97057 (VCV000097057.5), dbSNP rs587777100, ClinGen allele CA345442.